The following is an entry in ClinVar:

ClinVar aggregate classification (germline): Conflicting classifications of pathogenicity. Review status: criteria provided, conflicting classifications (1 of 4 stars). 4 submissions from 3 submitters: Likely pathogenic (1); Uncertain significance (3). Last evaluated 2025-11-19.

Conditions:
Ectopia lentis 2, isolated, autosomal recessive (ECTOL2). Identifiers: Orphanet 1885, MedGen C3541474, MONDO:0009152, OMIM 225100.
Inborn genetic diseases. Identifiers: MedGen C0950123, MeSH D030342.
Ectopia lentis et pupillae. Also called: ECTOPIA LENTIS WITH ECTOPIA OF PUPIL. Identifiers: Orphanet 1885, MedGen C1644196, MONDO:0009153, OMIM 225200.

Allele frequency attached by ClinVar (database versions not stated): gnomAD exomes below 0.00001; TOPMed 0.00001.
gnomAD v4.1: 7 of 1,614,106 alleles (0.00043%); highest among the groups gnomAD compares: Non-Finnish European, 0.00042%; no homozygotes.

Submissions (4):

Labcorp Genetics (formerly Invitae), Labcorp
Classification: Likely pathogenic. Last evaluated: 2025-11-19. Review status: criteria provided, single submitter. Criteria: Invitae Variant Classification Sherloc (09022015). Collection method: clinical testing. Allele origin: germline.
Comment: This sequence change replaces tyrosine, which is neutral and polar, with cysteine, which is neutral and slightly polar, at codon 430 of the ADAMTSL4 protein (p.Tyr430Cys). This variant is not present in population databases (gnomAD no frequency). This missense change has been observed in individual(s) with ectopia lentis (internal data). In at least one individual the data is consistent with being in trans (on the opposite chromosome) from a pathogenic variant. It has also been observed to segregate with disease in related individuals. ClinVar contains an entry for this variant (Variation ID: 1922580). Invitae Evidence Modeling of protein sequence and biophysical properties (such as structural, functional, and spatial information, amino acid conservation, physicochemical variation, residue mobility, and thermodynamic stability) indicates that this missense variant is expected to disrupt ADAMTSL4 protein function with a positive predictive value of 80%. In summary, the currently available evidence indicates that the variant is pathogenic, but additional data are needed to prove that conclusively. Therefore, this variant has been classified as Likely Pathogenic.

Genome-Nilou Lab
Classification: Uncertain significance for Ectopia lentis et pupillae. Last evaluated: 2023-04-11. Review status: criteria provided, single submitter. Criteria: ACMG Guidelines, 2015. Collection method: clinical testing. Allele origin: germline. Affected: no.

Genome-Nilou Lab
Classification: Uncertain significance for Ectopia lentis 2, isolated, autosomal recessive. Last evaluated: 2023-04-11. Review status: criteria provided, single submitter. Criteria: ACMG Guidelines, 2015. Collection method: clinical testing. Allele origin: germline. Affected: no.

Ambry Genetics
Classification: Uncertain significance for Inborn genetic diseases. Last evaluated: 2022-03-31. Review status: criteria provided, single submitter. Criteria: Ambry Variant Classification Scheme 2023. Collection method: clinical testing. Allele origin: germline.

NM_019032.6(ADAMTSL4):c.1289A>G (p.Tyr430Cys)

Genes: ADAMTSL4 (ADAMTS like 4; plus strand), ADAMTSL4-AS2 (ADAMTSL4 antisense RNA 2; minus strand). Cytogenetic location: 1q21.2.
Variant type: single nucleotide variant.
Coding change: c.1289A>G on transcript NM_019032.6 (MANE Select); coding-DNA position 1289, A replaced by G.
Protein change: p.Tyr430Cys; replaces tyrosine 430 with cysteine.
Molecular consequence: missense variant.
Genome position (GRCh38, 1-based): chr1:150,555,483, A>G. VCF-style: chr1-150555483-A-G. GRCh37 (hg19) VCF-style: chr1-150527959-A-G.
Other names: c.1358A>G, p.Tyr453Cys (NM_001288607.2, NM_001288608.2); c.1289A>G, p.Tyr430Cys (NM_001378596.1, NM_025008.5); short protein forms Y453C, Y430C.
Identifiers: ClinVar variation 1922580 (VCV001922580.7), dbSNP rs928104756, ClinGen allele CA30068371.